The following is an entry in ClinVar:

NM_001370259.2(MEN1):c.445+6_445+7del

Gene: MEN1 (menin 1; minus strand). Cytogenetic location: 11q13.1.
Variant type: Deletion.
Coding change: c.445+6_445+7del on transcript NM_001370259.2 (MANE Select); bases 6 to 7 of the intron after coding-DNA position 445, 2 bases deleted (AG; older notation c.445+6_445+7delAG).
Molecular consequence: intron variant. On other transcripts: frameshift variant (8), non-coding transcript variant (2).
Genome position (GRCh38, 1-based): chr11:64,809,658-64,809,659, CT deleted on the plus strand (AG on the coding strand, the reverse complement: MEN1 is on the minus strand); deleting any 2 consecutive bases within chr11:64,809,658-64,809,660 gives the same sequence; the c. name uses the placement nearest the transcript's 3' end. VCF-style (leftmost placement, unchanged base first): chr11-64809657-GCT-G. GRCh37 (hg19) VCF-style: chr11-64577129-GCT-G.
Other names: c.445+6_445+7del (NM_001407143.1, NM_001407148.1, NM_130799.3 and 12 more transcripts); c.451_452del, p.Ser151fs (NM_000244.4, NM_001407145.1, NM_001407150.1 and 5 more transcripts); short protein forms S151fs.
Identifiers: ClinVar variation 4724201 (VCV004724201.1).
Genomic context (GRCh38, chr11:64,809,657, plus strand): 5'-TTCTGTAAACCATGGAGGGTTTTGAAGAAGTGGGTCATGGATAAGATTCCCACCTACTGG[GCT>G]CCAACCTGTGATGAAGCTGAAGAGGGACTGGATGTGGGCCCGATCCTTGAAGTAGGAGCG-3'

ClinVar aggregate classification (germline): Uncertain significance (1 of 4 stars; one submission).

Conditions:
Multiple endocrine neoplasia, type 1 (MEN1). Also called: Endocrine adenomatosis multiple; MEN 1; MEA I; MEN I; WERMER SYNDROME. Identifiers: Orphanet 652, MedGen C0025267, MeSH D018761, MONDO:0007540, OMIM 131100.

Submission:

Labcorp Genetics (formerly Invitae), Labcorp
Classification: Uncertain significance for Multiple endocrine neoplasia, type 1. Last evaluated: 2025-07-29. Review status: criteria provided, single submitter. Criteria: Invitae Variant Classification Sherloc (09022015). Collection method: clinical testing. Allele origin: germline.
Comment: This sequence change falls in intron 2 of the MEN1 gene. It does not directly change the encoded amino acid sequence of the MEN1 protein. It affects a nucleotide within the consensus splice site. This variant is not present in population databases (gnomAD no frequency). This variant has not been reported in the literature in individuals affected with MEN1-related conditions. Variants that disrupt the consensus splice site are a relatively common cause of aberrant splicing (PMID: 17576681, 9536098). Algorithms developed to predict the effect of sequence changes on RNA splicing suggest that this variant is not likely to affect RNA splicing. In summary, the available evidence is currently insufficient to determine the role of this variant in disease. Therefore, it has been classified as a Variant of Uncertain Significance.

Literature cited by the submitters: PubMed 17576681; PubMed 9536098.